The following is an entry in ClinVar:

NM_000051.4(ATM):c.263C>A (p.Ala88Asp)

Gene: ATM (ATM serine/threonine kinase; plus strand). Cytogenetic location: 11q22.3.
Variant type: single nucleotide variant.
Coding change: c.263C>A on transcript NM_000051.4 (MANE Select); coding-DNA position 263, C replaced by A.
Protein change: p.Ala88Asp; replaces alanine 88 with aspartic acid.
Molecular consequence: missense variant.
Genome position (GRCh38, 1-based): chr11:108,229,255, C>A. VCF-style: chr11-108229255-C-A. GRCh37 (hg19) VCF-style: chr11-108099982-C-A.
Other names: c.263C>A, p.Ala88Asp (NM_001351834.2, NM_001351835.2, NM_001351836.2); short protein forms A88D.
Identifiers: ClinVar variation 630985 (VCV000630985.5), dbSNP rs1565347056, ClinGen allele CA382521609.

ClinVar aggregate classification (germline): Uncertain significance. Review status: criteria provided, multiple submitters, no conflicts (2 of 4 stars). 3 submissions from 3 submitters: Uncertain significance (3). Last evaluated 2025-12-02.

Conditions:
ATM-related cancer predisposition. Also called: ATM-related cancer susceptibility. Identifiers: MedGen CN377759, MONDO:0700270.
Hereditary cancer-predisposing syndrome. Also called: Neoplastic Syndromes, Hereditary; Hereditary neoplastic syndrome; Tumor predisposition; Hereditary Cancer Syndrome. Identifiers: Orphanet 140162, MedGen C0027672, MeSH D009386, MONDO:0015356.
Ataxia-telangiectasia syndrome (AT). Also called: Cerebello-oculocutaneous telangiectasia; Immunodeficiency with ataxia telangiectasia; Ataxia telangiectasia (A-T); Ataxia-telangiectasia, complementation group D; AT, COMPLEMENTATION GROUP C; ATAXIA-TELANGIECTASIA, COMPLEMENTATION GROUP A. Identifiers: Orphanet 100, MedGen C0004135, MONDO:0008840, OMIM 208900.

Submissions (3):

Labcorp Genetics (formerly Invitae), Labcorp
Classification: Uncertain significance for Ataxia-telangiectasia syndrome. Last evaluated: 2025-12-02. Review status: criteria provided, single submitter. Criteria: Invitae Variant Classification Sherloc (09022015). Collection method: clinical testing. Allele origin: germline.
Comment: This sequence change replaces alanine, which is neutral and non-polar, with aspartic acid, which is acidic and polar, at codon 88 of the ATM protein (p.Ala88Asp). This variant is not present in population databases (gnomAD no frequency). This variant has not been reported in the literature in individuals affected with ATM-related conditions. ClinVar contains an entry for this variant (Variation ID: 630985). Invitae Evidence Modeling of protein sequence and biophysical properties (such as structural, functional, and spatial information, amino acid conservation, physicochemical variation, residue mobility, and thermodynamic stability) indicates that this missense variant is not expected to disrupt ATM protein function with a negative predictive value of 95%. In summary, the available evidence is currently insufficient to determine the role of this variant in disease. Therefore, it has been classified as a Variant of Uncertain Significance.

Department of Pathology and Laboratory Medicine, Sinai Health System
Classification: Uncertain significance for ATM-related cancer predisposition. Last evaluated: 2020-10-01. Review status: criteria provided, single submitter. Criteria: ACMG Guidelines, 2015. Collection method: clinical testing. Allele origin: germline. Affected: no.

Color Diagnostics, LLC DBA Color Health
Classification: Uncertain significance for Hereditary cancer-predisposing syndrome. Last evaluated: 2018-12-10. Review status: criteria provided, single submitter. Criteria: ACMG Guidelines, 2015. Collection method: clinical testing. Allele origin: germline.